The following is an entry in ClinVar:

NM_032119.4(ADGRV1):c.929G>A (p.Gly310Glu)

Gene: ADGRV1 (adhesion G protein-coupled receptor V1; plus strand). Cytogenetic location: 5q14.3.
Variant type: single nucleotide variant.
Coding change: c.929G>A on transcript NM_032119.4 (MANE Select); coding-DNA position 929, G replaced by A.
Protein change: p.Gly310Glu; replaces glycine 310 with glutamic acid.
Molecular consequence: missense variant. On other transcripts: non-coding transcript variant (1).
Genome position (GRCh38, 1-based): chr5:90,627,467, G>A. VCF-style: chr5-90627467-G-A. GRCh37 (hg19) VCF-style: chr5-89923284-G-A.
Other names: short protein forms G310E.
Identifiers: ClinVar variation 517337 (VCV000517337.14), dbSNP rs766790920, ClinGen allele CA3338582.

ClinVar aggregate classification (germline): Conflicting classifications of pathogenicity. Review status: criteria provided, conflicting classifications (1 of 4 stars). 4 submissions from 4 submitters: Uncertain significance (3); Likely benign (1). Last evaluated 2026-01-25.

Allele frequency attached by ClinVar (database versions not stated): gnomAD 0.00001; gnomAD exomes 0.00004 and 0.00009; TOPMed 0.00004; ExAC 0.00009.
gnomAD v4.1: 56 of 1,613,714 alleles (0.0035%); highest among the groups gnomAD compares: East Asian, 0.091%; no homozygotes.

Submissions (4):

Labcorp Genetics (formerly Invitae), Labcorp
Classification: Likely benign. Last evaluated: 2026-01-25. Review status: criteria provided, single submitter. Criteria: Invitae Variant Classification Sherloc (09022015). Collection method: clinical testing. Allele origin: germline.

Blueprint Genetics
Classification: Uncertain significance. Last evaluated: 2024-04-04. Review status: criteria provided, single submitter. Criteria: ACMG Guidelines, 2015. Collection method: clinical testing. Allele origin: germline.

Women's Health and Genetics/Laboratory Corporation of America, LabCorp
Classification: Uncertain significance. Last evaluated: 2022-04-12. Review status: criteria provided, single submitter. Criteria: LabCorp Variant Classification Summary - May 2015. Collection method: clinical testing. Allele origin: germline.
Comment: Variant summary: ADGRV1 c.929G>A (p.Gly310Glu) results in a non-conservative amino acid change located in the Na-Ca exchanger/integrin-beta4 domain (IPR003644) of the encoded protein sequence. Four of five in-silico tools predict a damaging effect of the variant on protein function. The variant allele was found at a frequency of 9.2e-05 in 249150 control chromosomes, predominantly at a frequency of 0.001 within the East Asian subpopulation in the gnomAD database. This frequency is not significantly higher than estimated for a pathogenic variant in ADGRV1 causing Usher Syndrome (9.2e-05 vs 0.0054), allowing no conclusion about variant significance. c.929G>A has been reported in the literature as a presumed compound heterozygous genotype in settings of multigene panel/WES analysis in at-least two East Asian individuals with Usher syndrome/Retinitis Pigmentosa (example, Jiang_2015, Wang_2018 and cited in Liu_2021). These data indicate that the variant may be associated with disease. To our knowledge, no experimental evidence demonstrating an impact on protein function has been reported. Two clinical diagnostic laboratories have submitted clinical-significance assessments for this variant to ClinVar after 2014 without evidence for independent evaluation. All laboratories classified the variant as uncertain significance. Based on the evidence outlined above, the variant was classified as VUS-possibly pathogenic.

Laboratory for Molecular Medicine, Mass General Brigham Personalized Medicine
Classification: Uncertain significance. Last evaluated: 2017-04-28. Review status: criteria provided, single submitter. Criteria: LMM Criteria. Collection method: clinical testing. Allele origin: germline. Observed: 1 variant allele.
Comment: The p.Gly310Glu (NM_032119.3 c.929G>A) variant in GPR98 (also known as ADGRV1) h as been reported in 1 individuals with Usher syndrome, who carried a second GPR9 8 variant if uncertain significance (Jiang 2015). This variant has been identifi ed in 0.1% (9/8626) of East Asian chromosomes by the Exome Aggregation Consortiu m (ExAC; dbSNP rs766790920). Although this varia nt has been seen in the general population, its frequency is not high enough to rule out a pathogenic role. Computational prediction tools and conservation anal ysis suggest that the p.Gly310Glu variant may not impact the protein, though thi s information is not predictive enough to rule out pathogenicity. In summary, th e clinical significance of the p.Gly310Glu variant is uncertain.

Literature cited by the submitters: PubMed 30029497 (cited by Women's Health and Genetics/Laboratory Corporation of America, LabCorp); PubMed 26338283 (cited by Women's Health and Genetics/Laboratory Corporation of America, LabCorp and Laboratory for Molecular Medicine, Mass General Brigham Personalized Medicine); PubMed 33090715 (cited by Women's Health and Genetics/Laboratory Corporation of America, LabCorp); PubMed 33691693 (cited by Women's Health and Genetics/Laboratory Corporation of America, LabCorp).